The following is an entry in ClinVar:

ClinVar aggregate classification (germline): Pathogenic (1 of 4 stars; one submission).

Conditions:
Charcot-Marie-Tooth disease recessive intermediate C. Also called: CHARCOT-MARIE-TOOTH NEUROPATHY, RECESSIVE INTERMEDIATE C. Identifiers: Orphanet 369867, MedGen C3809309, MONDO:0014154, OMIM 615376.
Neuronopathy, distal hereditary motor, autosomal recessive 4. Also called: Autosomal recessive lower motor neuron disease with childhood onset; NEUROPATHY, DISTAL HEREDITARY MOTOR, AUTOSOMAL RECESSIVE 4. Identifiers: Orphanet 206580, MedGen C1970211, MONDO:0012608, OMIM 611067.

Submission:

Labcorp Genetics (formerly Invitae), Labcorp
Classification: Pathogenic for Neuronopathy, distal hereditary motor, autosomal recessive 4; Charcot-Marie-Tooth disease recessive intermediate C. Last evaluated: 2022-09-29. Review status: criteria provided, single submitter. Criteria: Invitae Variant Classification Sherloc (09022015). Collection method: clinical testing. Allele origin: germline.
Comment: For these reasons, this variant has been classified as Pathogenic. This variant has not been reported in the literature in individuals affected with PLEKHG5-related conditions. This variant is not present in population databases (gnomAD no frequency). This sequence change creates a premature translational stop signal (p.Tyr121*) in the PLEKHG5 gene. It is expected to result in an absent or disrupted protein product. Loss-of-function variants in PLEKHG5 are known to be pathogenic (PMID: 17564964, 23777631).

Literature cited by the submitters: PubMed 17564964; PubMed 23777631.

NM_020631.6(PLEKHG5):c.363C>A (p.Tyr121Ter)

Gene: PLEKHG5 (pleckstrin homology and RhoGEF domain containing G5; minus strand). Cytogenetic location: 1p36.31.
Variant type: single nucleotide variant.
Coding change: c.363C>A on transcript NM_020631.6 (MANE Select); coding-DNA position 363, C replaced by A.
Protein change: p.Tyr121Ter; replaces tyrosine 121 with a stop codon.
Molecular consequence: nonsense.
Genome position (GRCh38, 1-based): chr1:6,474,527, G>T on the plus strand (C>A on the coding strand, the complement: PLEKHG5 is on the minus strand). VCF-style: chr1-6474527-G-T. GRCh37 (hg19) VCF-style: chr1-6534587-G-T.
Other names: c.474C>A, p.Tyr158Ter (NM_001042663.3, NM_001265592.2); c.363C>A, p.Tyr121Ter (NM_001042664.2, NM_001042665.2, NM_001265594.3 and 1 more transcripts); c.570C>A, p.Tyr190Ter (NM_001265593.2); short protein forms Y121*, Y158*, Y190*.
Identifiers: ClinVar variation 2033307 (VCV002033307.4), dbSNP rs972569803, ClinGen allele CA338139382.